The following is an entry in ClinVar:

ClinVar aggregate classification (germline): Uncertain significance. Review status: reviewed by expert panel (3 of 4 stars). 11 submissions from 11 submitters: Uncertain significance (1). 10 of the submissions do not count toward it. Last evaluated 2022-11-02.

Conditions:
GAA-related disorder. Also called: GAA-related condition.
Glycogen storage disease due to acid maltase deficiency, late-onset (LOPD). Also called: POMPE DISEASE, LATE-ONSET; GLYCOGEN STORAGE DISEASE II, LATE-ONSET; ACID ALPHA-GLUCOSIDASE DEFICIENCY, LATE-ONSET; GAA DEFICIENCY, LATE-ONSET; ACID MALTASE DEFICIENCY, LATE-ONSET; AMD, LATE-ONSET. Identifiers: Orphanet 420429, MedGen C0342753, MONDO:0018485, OMIM 621314.
Glycogen storage disease, type II (IOPD). Also called: GLYCOGENOSIS, GENERALIZED, CARDIAC FORM; GSD II; CARDIOMEGALIA GLYCOGENICA DIFFUSA; POMPE DISEASE, INFANTILE-ONSET; GLYCOGEN STORAGE DISEASE II, INFANTILE-ONSET; ACID ALPHA-GLUCOSIDASE DEFICIENCY, INFANTILE-ONSET. Identifiers: Orphanet 365, MedGen C0017921, MONDO:0009290, OMIM 232300.

Allele frequency attached by ClinVar (database versions not stated): ExAC 0.00002; TOPMed 0.00001.
gnomAD v4.1: 19 of 1,612,948 alleles (0.0012%); highest among the groups gnomAD compares: South Asian, 0.012%; no homozygotes.

Submissions (11):

ClinGen Lysosomal Storage Disorder Variant Curation Expert Panel
Classification: Uncertain significance for Glycogen storage disease, type II. Last evaluated: 2022-11-02. Review status: reviewed by expert panel. Criteria: clingen_lsd_acmg_specifications_v2-1. Collection method: curation. Allele origin: germline. Inheritance: Autosomal recessive inheritance.
Comment: The NM_000152.5:c.710C>T variant in GAA is a missense variant that is predicted to result in the substitution of alanine by valine at amino acid 237 (p.Ala237Val). A patient with late onset Pompe disease and this variant has been described with a severely reduced GAA activity (<10% normal) and an increase of total glycogen in muscle (PMID: 15668445, 17573812, 17643989) (PP4_Moderate). This patient is compound heterozygous for the variant and another variant in GAA that has been classified as pathogenic by the ClinGen LSD VCEP, c.877G>A (p.Gly293Arg) (PMID: 15668445, 17573812, 17643989) (PM3_Supporting). Another patient has been reported who is compound heterozygous for the variant and p.Met173del (PMID: 28196920). However, the cDNA changes for these variants were not provided and therefore the data was not included. The highest population minor allele frequency in gnomAD v2.1.1. is 0.00013 (4/30616 alleles) in the South Asian population which is lower than the ClinGen LSD VCEP threshold (<0.001) for PM2_Supporting, meeting this criterion (PM2_Supporting). When expressed in COS cells, this variant had "greater than 2% wild-type GAA activity", but the activity was not provided (PS3 not met). The computational predictor REVEL gives a score of 0.693 which is neither above nor below the thresholds predicting a damaging (>0.7) or benign (<0.5) impact on GAA function (neither PP3 nor BP4 is met). In summary, this variant meets the criteria to be classified as a variant of uncertain significance for Pompe disease. GAA-specific ACMG-AMP criteria met, as specified by the ClinGen LSD VCEP (Specifications Version 2.0): PP4_Moderate, PM2_Supporting, PM3_Supporting. (Classification approved by the ClinGen LSD VCEP on November 2, 2022)

Genomenon, Inc
Classification: Uncertain significance for Glycogen storage disease, type II. Last evaluated: 2026-07-01. Review status: criteria provided, single submitter. Criteria: Genomenon Sequence Variant Interpretation Standards - Updated. Collection method: curation. Allele origin: germline. Affected: yes. Not counted in ClinVar's aggregate classification.
Comment: GAA p.Ala237Val (c.710C>T) is a missense variant that changes the amino acid at codon 237 from Alanine to Valine. This variant has been observed in at least one proband with a GAA-related disorder in the compound heterozygous and/or homozygous state (PMID:28196920;15668445). Functional studies have been reported (PMID:19862843). It is absent or not present at a significant frequency in gnomAD. In conclusion, we classify GAA p.Ala237Val (c.710C>T) as a variant of uncertain significance.

Labcorp Genetics (formerly Invitae), Labcorp
Classification: Likely pathogenic for Glycogen storage disease, type II. Last evaluated: 2026-01-29. Review status: criteria provided, single submitter. Criteria: Invitae Variant Classification Sherloc (09022015). Collection method: clinical testing. Allele origin: germline. Not counted in ClinVar's aggregate classification.
Comment: This sequence change replaces alanine, which is neutral and non-polar, with valine, which is neutral and non-polar, at codon 237 of the GAA protein (p.Ala237Val). This variant is present in population databases (rs121907944, gnomAD 0.01%). This missense change has been observed in individual(s) with Pompe disease (PMID: 15668445). ClinVar contains an entry for this variant (Variation ID: 4035). Invitae Evidence Modeling of protein sequence and biophysical properties (such as structural, functional, and spatial information, amino acid conservation, physicochemical variation, residue mobility, and thermodynamic stability) has been performed for this missense variant. However, the output from this modeling did not meet the statistical confidence thresholds required to predict the impact of this variant on GAA protein function. Experimental studies have shown that this missense change affects GAA function (PMID: 19862843). This variant disrupts the p.A237G amino acid residue in GAA. Other variant(s) that disrupt this residue have been observed in individuals with GAA-related conditions (PMID: 31086307), which suggests that this may be a clinically significant amino acid residue. In summary, the currently available evidence indicates that the variant is pathogenic, but additional data are needed to prove that conclusively. Therefore, this variant has been classified as Likely Pathogenic.

Women's Health and Genetics/Laboratory Corporation of America, LabCorp
Classification: Uncertain significance. Last evaluated: 2025-08-22. Review status: criteria provided, single submitter. Criteria: LabCorp Variant Classification Summary - May 2015. Collection method: clinical testing. Allele origin: germline. Not counted in ClinVar's aggregate classification.
Comment: Variant summary: GAA c.710C>T (p.Ala237Val) results in a non-conservative amino acid change located in the Galactose mutarotase, N-terminal barrel domain (IPR031727) of the encoded protein sequence. Algorithms developed to predict the effect of missense changes on protein structure and function all suggest that this variant is likely to be disruptive. The variant allele was found at a frequency of 2e-05 in 250946 control chromosomes. The available data on variant occurrences in the general population are insufficient to allow any conclusion about variant significance. c.710C>T has been reported in the literature as a compound heterozygous genotype in at-least one individual affected by late-onset Pompe disease who has been subsequently cited by others (example: Anneser_2005, Muller-Felber_2007, Schoser_2007). These data do not allow any conclusion about variant significance. To our knowledge, no experimental evidence demonstrating an impact on protein function has been reported. The following publications have been ascertained in the context of this evaluation (PMID: 19862843, 17643989, 29061980, 17573812, 15668445). ClinVar contains an entry for this variant (Variation ID: 4035). Based on the evidence outlined above, the variant was classified as uncertain significance.

Revvity Omics, Revvity
Classification: Uncertain significance. Last evaluated: 2025-05-19. Review status: criteria provided, single submitter. Criteria: ACMG Guidelines, 2015. Collection method: clinical testing. Allele origin: germline. Not counted in ClinVar's aggregate classification.

Baylor Genetics
Classification: Uncertain significance for Glycogen storage disease, type II. Last evaluated: 2024-01-30. Review status: criteria provided, single submitter. Criteria: ACMG Guidelines, 2015. Collection method: clinical testing. Allele origin: unknown. Not counted in ClinVar's aggregate classification.

GeneDx
Classification: Uncertain significance. Last evaluated: 2023-09-21. Review status: criteria provided, single submitter. Criteria: GeneDx Variant Classification Process June 2021. Collection method: clinical testing. Allele origin: germline. Affected: yes. Not counted in ClinVar's aggregate classification.
Comment: In silico analysis supports that this missense variant has a deleterious effect on protein structure/function; Not observed at significant frequency in large population cohorts (gnomAD); This variant is associated with the following publications: (PMID: 17027861, 15668445, 17643989, 34426522, 19343043, 22253258, 17573812, 30275481, 19862843)

Broad Center for Mendelian Genomics, Broad Institute of MIT and Harvard
Classification: Uncertain significance for Glycogen storage disease, type II. Last evaluated: 2020-01-22. Review status: criteria provided, single submitter. Criteria: ACMG Guidelines, 2015. Collection method: curation. Allele origin: germline. Inheritance: Autosomal recessive inheritance. Not counted in ClinVar's aggregate classification.
Comment: This variant has been identified in 0.013% (4/30616) of South Asian chromosomes and 0.001% (1/113342) European (non-Finnish) chromosomes by the Genome Aggregation Database (gnomAD; dbSNP rs121907944). Although this variant has been seen in the general population, its frequency is low enough to be consistent with a recessive carrier frequency. Computational prediction tools and conservation analyses do not provide strong support for or against an impact to the protein. The presence of this variant in combination with a reported pathogenic variant and in an individual with Glycogen Storage Disease II increases the likelihood that the p.Ala237Val variant is pathogenic (PMID: 15668445). In summary, while there is some suspicion for a pathogenic role, the clinical significance of this variant is uncertain. ACMG/AMP Criteria applied: PM3_Supporting, PM2, PP4 (Richards 2015).

PreventionGenetics, part of Exact Sciences
Classification: Uncertain significance for GAA-related condition. Last evaluated: 2024-09-03. Review status: no assertion criteria provided. Collection method: clinical testing. Allele origin: germline. Not counted in ClinVar's aggregate classification.
Comment: The GAA c.710C>T variant is predicted to result in the amino acid substitution p.Ala237Val. This variant has been reported in the compound heterozygous state with the GAA c.877G>A (p.Gly293Arg) variant in an individual with late onset Pompe disease (Anneser et al. 2005. PubMed ID: 15668445; Schoser et al. 2007. PubMed ID: 17573812; Müller-Felber et al. 2007. PubMed ID: 17643989). Functional studies have shown that this variant impacts GAA protein function (Flanagan et al. 2009. PubMed ID: 19862843). Of note, another variant impacting this same amino acid [c.710C>G (p.Ala237Gly)] has been reported in an individual with glycogen storage disease 2 (Supplemental Table S3, Kishnani et al. 2019. PubMed ID: 31086307). The c.710C>T variant is reported in 0.013% of alleles in individuals of South Asian descent in gnomAD and is reported as a variant of uncertain significance by the ClinGen Lysosomal Storage Disorder Variant Curation Expert Panel in ClinVar At this time, the clinical significance of this variant is uncertain due to the absence of conclusive functional and genetic evidence.

Counsyl
Classification: Uncertain significance for Glycogen storage disease, type II. Last evaluated: 2017-04-28. Review status: no assertion criteria provided. Collection method: clinical testing. Allele origin: unknown. Not counted in ClinVar's aggregate classification.

OMIM
Classification: Pathogenic for POMPE DISEASE, LATE-ONSET. Last evaluated: 2005-01-25. Review status: no assertion criteria provided. Collection method: literature only. Allele origin: germline. Not counted in ClinVar's aggregate classification.

Literature cited by the submitters: PubMed 28196920 (cited by Genomenon, Inc); PubMed 15668445 (cited by 6 submitters); PubMed 19862843 (cited by 4 submitters); PubMed 31086307 (cited by Labcorp Genetics (formerly Invitae), Labcorp); PubMed 17643989 (cited by Women's Health and Genetics/Laboratory Corporation of America, LabCorp and Counsyl); PubMed 29061980 (cited by Women's Health and Genetics/Laboratory Corporation of America, LabCorp); PubMed 17573812 (cited by Women's Health and Genetics/Laboratory Corporation of America, LabCorp).

NM_000152.5(GAA):c.710C>T (p.Ala237Val)

Gene: GAA (alpha glucosidase; plus strand). Cytogenetic location: 17q25.3.
Variant type: single nucleotide variant.
Coding change: c.710C>T on transcript NM_000152.5 (MANE Select); coding-DNA position 710, C replaced by T.
Protein change: p.Ala237Val; replaces alanine 237 with valine.
Molecular consequence: missense variant.
Genome position (GRCh38, 1-based): chr17:80,107,574, C>T. VCF-style: chr17-80107574-C-T. GRCh37 (hg19) VCF-style: chr17-78081373-C-T.
Other names: c.710C>T, p.Ala237Val (LRG_673t1, NM_001079803.3, NM_001079804.3); short protein forms A237V.
Identifiers: ClinVar variation 4035 (VCV000004035.23), dbSNP rs121907944, ClinGen allele CA116619.